The following is an entry in ClinVar:

ClinVar aggregate classification (germline): Uncertain significance (1 of 4 stars; one submission).

Conditions:
Inborn genetic diseases. Identifiers: MedGen C0950123, MeSH D030342.

Allele frequency attached by ClinVar (database versions not stated): ExAC 0.00001; gnomAD exomes 0.00001.

Submission:

Ambry Genetics
Classification: Uncertain significance for Inborn genetic diseases. Last evaluated: 2025-01-23. Review status: criteria provided, single submitter. Criteria: Ambry Variant Classification Scheme 2023. Collection method: clinical testing. Allele origin: germline.
Comment: The p.C216Y variant (also known as c.647G>A), located in coding exon 7 of the FANCA gene, results from a G to A substitution at nucleotide position 647. The cysteine at codon 216 is replaced by tyrosine, an amino acid with highly dissimilar properties. This amino acid position is conserved. In addition, this alteration is predicted to be tolerated by in silico analysis. Based on the available evidence, the clinical significance of this variant remains unclear.

NM_000135.4(FANCA):c.647G>A (p.Cys216Tyr)

Gene: FANCA (FA complementation group A; minus strand). Cytogenetic location: 16q24.3.
Variant type: single nucleotide variant.
Coding change: c.647G>A on transcript NM_000135.4 (MANE Select); coding-DNA position 647, G replaced by A.
Protein change: p.Cys216Tyr; replaces cysteine 216 with tyrosine.
Molecular consequence: missense variant.
Genome position (GRCh38, 1-based): chr16:89,805,342, C>T on the plus strand (G>A on the coding strand, the complement: FANCA is on the minus strand). VCF-style: chr16-89805342-C-T. GRCh37 (hg19) VCF-style: chr16-89871750-C-T.
Other names: c.647G>A, p.Cys216Tyr (NM_001018112.3, NM_001286167.3); c.551G>A, p.Cys184Tyr (NM_001351830.2); short protein forms C216Y, C184Y.
Identifiers: ClinVar variation 3092785 (VCV003092785.2), dbSNP rs750011288, ClinGen allele CA8252870.